The following is an entry in ClinVar:

ClinVar aggregate classification (germline): Uncertain significance. Review status: criteria provided, multiple submitters, no conflicts (2 of 4 stars). 3 submissions from 3 submitters: Uncertain significance (3). Last evaluated 2024-06-04.

Conditions:
Adams-Oliver syndrome 5 (AOS5). Identifiers: Orphanet 974, MedGen C4014970, MONDO:0014459, OMIM 616028.
Familial thoracic aortic aneurysm and aortic dissection (TAAD). Also called: Thoracic aortic aneurysms and dissections. Identifiers: Orphanet 91387, MedGen C4707243, MONDO:0019625.

gnomAD v4.1: 3 of 1,612,216 alleles (0.00019%); highest among the groups gnomAD compares: Non-Finnish European, 0.00025%; no homozygotes.

Submissions (3):

Ambry Genetics
Classification: Uncertain significance for Familial thoracic aortic aneurysm and aortic dissection. Last evaluated: 2024-06-04. Review status: criteria provided, single submitter. Criteria: Ambry Variant Classification Scheme 2023. Collection method: clinical testing. Allele origin: germline.
Comment: The p.T432R variant (also known as c.1295C>G), located in coding exon 8 of the NOTCH1 gene, results from a C to G substitution at nucleotide position 1295. The threonine at codon 432 is replaced by arginine, an amino acid with similar properties. This amino acid position is conserved. In addition, this alteration is predicted to be deleterious by in silico analysis. Based on the available evidence, the clinical significance of this variant remains unclear.

Labcorp Genetics (formerly Invitae), Labcorp
Classification: Uncertain significance for Adams-Oliver syndrome 5. Last evaluated: 2022-03-21. Review status: criteria provided, single submitter. Criteria: Invitae Variant Classification Sherloc (09022015). Collection method: clinical testing. Allele origin: germline.
Comment: This variant is not present in population databases (gnomAD no frequency). In summary, the available evidence is currently insufficient to determine the role of this variant in disease. Therefore, it has been classified as a Variant of Uncertain Significance. Algorithms developed to predict the effect of missense changes on protein structure and function (SIFT, PolyPhen-2, Align-GVGD) all suggest that this variant is likely to be disruptive. ClinVar contains an entry for this variant (Variation ID: 1301299). This variant has not been reported in the literature in individuals affected with NOTCH1-related conditions. This sequence change replaces threonine, which is neutral and polar, with arginine, which is basic and polar, at codon 432 of the NOTCH1 protein (p.Thr432Arg).

GeneDx
Classification: Uncertain significance. Last evaluated: 2021-09-28. Review status: criteria provided, single submitter. Criteria: GeneDx Variant Classification Process June 2021. Collection method: clinical testing. Allele origin: germline. Affected: yes.
Comment: Has not been previously published as pathogenic or benign to our knowledge; Not observed at significant frequency in large population cohorts (Lek et al., 2016); In silico analysis supports that this missense variant has a deleterious effect on protein structure/function

NM_017617.5(NOTCH1):c.1295C>G (p.Thr432Arg)

Gene: NOTCH1 (notch receptor 1; minus strand). Cytogenetic location: 9q34.3.
Variant type: single nucleotide variant.
Coding change: c.1295C>G on transcript NM_017617.5 (MANE Select); coding-DNA position 1295, C replaced by G.
Protein change: p.Thr432Arg; replaces threonine 432 with arginine.
Molecular consequence: missense variant.
Genome position (GRCh38, 1-based): chr9:136,517,898, G>C on the plus strand (C>G on the coding strand, the complement: NOTCH1 is on the minus strand). VCF-style: chr9-136517898-G-C. GRCh37 (hg19) VCF-style: chr9-139412350-G-C.
Other names: short protein forms T432R.
Identifiers: ClinVar variation 1301299 (VCV001301299.7), dbSNP rs200562991, ClinGen allele CA375563403.
Genomic context (GRCh38, chr9:136,517,898, plus strand): 5'-TCGATCTCGCATCGGGGGCCCGTGTAGCCCTGCAGACACTGGCACTCGAAGGAGCCCAGC[G>C]TGTTGATGCACTTGCCCGCATGCTCGCAGGGGTTGGCACCTGGCGAGGGCACACGGGTGA-3'
Protein context (NP_060087.3, residues 422-442): PCEHAGKCIN[Thr432Arg]LGSFECQCLQ